The following is an entry in ClinVar:

NM_001370259.2(MEN1):c.899C>A (p.Thr300Asn)

Gene: MEN1 (menin 1; minus strand). Cytogenetic location: 11q13.1.
Variant type: single nucleotide variant.
Coding change: c.899C>A on transcript NM_001370259.2 (MANE Select); coding-DNA position 899, C replaced by A.
Protein change: p.Thr300Asn; replaces threonine 300 with asparagine.
Molecular consequence: missense variant. On other transcripts: non-coding transcript variant (4).
Genome position (GRCh38, 1-based): chr11:64,807,024, G>T on the plus strand (C>A on the coding strand, the complement: MEN1 is on the minus strand). VCF-style: chr11-64807024-G-T. GRCh37 (hg19) VCF-style: chr11-64574496-G-T.
Other names: c.914C>A, p.Thr305Asn (NM_000244.4, NM_001407145.1, NM_001407150.1 and 5 more transcripts); c.899C>A, p.Thr300Asn (NM_001370251.2, NM_001370260.2, NM_001370261.2 and 7 more transcripts); c.794C>A, p.Thr265Asn (NM_001370262.2, NM_001370263.2, NM_001407148.1 and 2 more transcripts); short protein forms T265N, T300N, T305N.
Identifiers: ClinVar variation 4646574 (VCV004646574.1).

ClinVar aggregate classification (germline): Uncertain significance (1 of 4 stars; one submission).

Conditions:
Hereditary cancer-predisposing syndrome. Also called: Neoplastic Syndromes, Hereditary; Tumor predisposition; Hereditary Cancer Syndrome; Hereditary neoplastic syndrome. Identifiers: Orphanet 140162, MedGen C0027672, MeSH D009386, MONDO:0015356.

Submission:

Ambry Genetics
Classification: Uncertain significance for Hereditary cancer-predisposing syndrome. Last evaluated: 2025-12-02. Review status: criteria provided, single submitter. Criteria: Ambry Variant Classification Scheme 2023. Collection method: clinical testing. Allele origin: germline.
Comment: The p.T300N variant (also known as c.899C>A), located in coding exon 5 of the MEN1 gene, results from a C to A substitution at nucleotide position 899. The threonine at codon 300 is replaced by asparagine, an amino acid with similar properties. This amino acid position is conserved. In addition, the in silico prediction for this alteration is inconclusive. Based on the available evidence, the clinical significance of this variant remains unclear.